The following is an entry in ClinVar:

ClinVar aggregate classification (germline): Uncertain significance. Review status: criteria provided, multiple submitters, no conflicts (2 of 4 stars). 2 submissions from 2 submitters: Uncertain significance (2). Last evaluated 2025-06-16.

Allele frequency attached by ClinVar (database versions not stated): ExAC 0.00001; gnomAD 0.00001; gnomAD exomes 0.00001 and 0.00002; TOPMed 0.00003; ESP Exome Variant Server 0.00008.
gnomAD v4.1: 19 of 1,613,478 alleles (0.0012%); highest among the groups gnomAD compares: African/African-American, 0.0067%; no homozygotes.

Submissions (2):

Ambry Genetics
Classification: Uncertain significance. Last evaluated: 2025-06-16. Review status: criteria provided, single submitter. Criteria: Ambry Variant Classification Scheme 2023. Collection method: clinical testing. Allele origin: germline.

Labcorp Genetics (formerly Invitae), Labcorp
Classification: Uncertain significance. Last evaluated: 2021-10-22. Review status: criteria provided, single submitter. Criteria: Invitae Variant Classification Sherloc (09022015). Collection method: clinical testing. Allele origin: germline.
Comment: This sequence change replaces arginine, which is basic and polar, with glutamine, which is neutral and polar, at codon 2206 of the FBN3 protein (p.Arg2206Gln). This variant is present in population databases (rs140432753, gnomAD 0.007%). This variant has not been reported in the literature in individuals affected with FBN3-related conditions. Algorithms developed to predict the effect of missense changes on protein structure and function output the following: SIFT: "Not Available"; PolyPhen-2: "Benign"; Align-GVGD: "Not Available". The glutamine amino acid residue is found in multiple mammalian species, which suggests that this missense change does not adversely affect protein function. In summary, the available evidence is currently insufficient to determine the role of this variant in disease. Therefore, it has been classified as a Variant of Uncertain Significance.

NM_032447.5(FBN3):c.6617G>A (p.Arg2206Gln)

Gene: FBN3 (fibrillin 3; minus strand). Cytogenetic location: 19p13.2.
Variant type: single nucleotide variant.
Coding change: c.6617G>A on transcript NM_032447.5 (MANE Select); coding-DNA position 6617, G replaced by A.
Protein change: p.Arg2206Gln; replaces arginine 2206 with glutamine.
Molecular consequence: missense variant.
Genome position (GRCh38, 1-based): chr19:8,087,827, C>T on the plus strand (G>A on the coding strand, the complement: FBN3 is on the minus strand). VCF-style: chr19-8087827-C-T. GRCh37 (hg19) VCF-style: chr19-8152711-C-T.
Other names: c.6617G>A (NM_032447.3); c.6617G>A, p.Arg2206Gln (NM_001321431.2); short protein forms R2206Q.
Identifiers: ClinVar variation 1495550 (VCV001495550.7), dbSNP rs140432753, ClinGen allele CA9151213.